The following is an entry in ClinVar:

ClinVar aggregate classification (germline): Pathogenic (1 of 4 stars; one submission).

Conditions:
POLG-related disorder. Also called: POLG-Related Spectrum Disorders; POLG-related condition; POLG-Related Disorders. Identifiers: MedGen C4763519.

Submission:

Myriad Genetics, Inc.
Classification: Pathogenic for POLG-related disorder. Last evaluated: 2026-01-15. Review status: criteria provided, single submitter. Criteria: Myriad Autosomal Dominant, Autosomal Recessive and X-Linked Classification Criteria (2023). Collection method: clinical testing. Allele origin: unknown.
Comment: NM_002693.2(POLG):c.3187_3188dupAG(S1063Rfs*32) is expected to be pathogenic in the context of POLG-related disorders. This variant is predicted to lead to an abnormal or absent protein product due to the creation of a premature termination codon in POLG, a gene where loss-of-function variants are known to be pathogenic. Please note: this variant was assessed in the context of healthy population screening.

NM_002693.3(POLG):c.3187_3188dup (p.Ser1063fs)

Gene: POLG (DNA polymerase gamma, catalytic subunit; minus strand). Cytogenetic location: 15q26.1.
Variant type: Microsatellite.
Coding change: c.3187_3188dup on transcript NM_002693.3 (MANE Select); coding-DNA positions 3187 to 3188, 2 bases duplicated (AG; older notation c.3187_3188dupAG).
Protein change: p.Ser1063fs; shifts the reading frame from serine 1063.
Molecular consequence: frameshift variant.
Genome position (GRCh38, 1-based): chr15:89,319,016-89,319,017, CT duplicated on the plus strand (AG on the coding strand, the reverse complement: POLG is on the minus strand); duplicating any 2 consecutive bases within chr15:89,319,016-89,319,020 gives the same sequence; the c. name uses the placement nearest the transcript's 3' end. VCF-style (leftmost placement, unchanged base first): chr15-89319015-G-GCT. GRCh37 (hg19) VCF-style: chr15-89862246-G-GCT.
Other names: c.3187_3188dup, p.Ser1063fs (NM_001126131.2); short protein forms S1063fs.
Identifiers: ClinVar variation 5015420 (VCV005015420.1).